The following is an entry in ClinVar:

NM_000264.5(PTCH1):c.2199_2203del (p.Ser734fs)

Genes: PTCH1 (patched 1; minus strand), LOC100507346 (uncharacterized LOC100507346; plus strand). Cytogenetic location: 9q22.32.
Variant type: Deletion.
Coding change: c.2199_2203del on transcript NM_000264.5 (MANE Select); coding-DNA positions 2199 to 2203, 5 bases deleted (ATCTT; older notation c.2199_2203delATCTT).
Protein change: p.Ser734fs; shifts the reading frame from serine 734.
Molecular consequence: frameshift variant. On other transcripts: non-coding transcript variant (2).
Genome position (GRCh38, 1-based): chr9:95,468,798-95,468,802, AAGAT deleted on the plus strand (ATCTT on the coding strand, the reverse complement: PTCH1 is on the minus strand). VCF-style (leftmost placement, unchanged base first): chr9-95468797-AAAGAT-A. GRCh37 (hg19) VCF-style: chr9-98231079-AAAGAT-A.
Other names: c.2001_2005del, p.Ser668fs (NM_001083602.3); c.2196_2200del, p.Ser733fs (NM_001083603.3); c.1746_1750del, p.Ser583fs (NM_001083604.3, NM_001083605.3, NM_001083606.3 and 1 more transcripts); c.2043_2047del, p.Ser682fs (NM_001354918.2); short protein forms S583fs, S668fs, S682fs, S733fs, S734fs.
Identifiers: ClinVar variation 1076107 (VCV001076107.7), dbSNP rs2118027698, ClinGen allele CA2499220053.

ClinVar aggregate classification (germline): Pathogenic (1 of 4 stars; one submission).

Conditions:
Gorlin syndrome. Also called: Basal cell nevus syndrome; Nevoid Basal Cell Carcinoma Syndrome. Identifiers: Orphanet 377, MedGen C0004779, MONDO:0007187.

Submission:

Labcorp Genetics (formerly Invitae), Labcorp
Classification: Pathogenic for Gorlin syndrome. Last evaluated: 2020-04-14. Review status: criteria provided, single submitter. Criteria: Invitae Variant Classification Sherloc (09022015). Collection method: clinical testing. Allele origin: germline.
Comment: This sequence change creates a premature translational stop signal (p.Ser734Cysfs*2) in the PTCH1 gene. It is expected to result in an absent or disrupted protein product. This variant is not present in population databases (ExAC no frequency). This variant has not been reported in the literature in individuals with PTCH1-related conditions. Loss-of-function variants in PTCH1 are known to be pathogenic (PMID: 16301862, 16419085). For these reasons, this variant has been classified as Pathogenic.

Literature cited by the submitters: PubMed 16301862; PubMed 16419085.